The following is an entry in ClinVar:

ClinVar aggregate classification (germline): Pathogenic (1 of 4 stars; one submission).

Conditions:
Glycogen storage disease, type VI (GSD6). Also called: Glycogen storage disease type 6, due to phosphorylation; GSD VI; Glycogen storage disease type 6; Hepatic glycogen phosphorylase deficiency; HERS DISEASE; PHOSPHORYLASE DEFICIENCY GLYCOGEN-STORAGE DISEASE OF LIVER. Identifiers: Orphanet 369, MedGen C0017925, MONDO:0009294, OMIM 232700.

Submission:

Labcorp Genetics (formerly Invitae), Labcorp
Classification: Pathogenic for Glycogen storage disease, type VI. Last evaluated: 2022-10-05. Review status: criteria provided, single submitter. Criteria: Invitae Variant Classification Sherloc (09022015). Collection method: clinical testing. Allele origin: germline.
Comment: This sequence change creates a premature translational stop signal (p.Trp216*) in the PYGL gene. It is expected to result in an absent or disrupted protein product. Loss-of-function variants in PYGL are known to be pathogenic (PMID: 9536091, 21646031). This variant is not present in population databases (gnomAD no frequency). This variant has not been reported in the literature in individuals affected with PYGL-related conditions. Algorithms developed to predict the effect of sequence changes on RNA splicing suggest that this variant may disrupt the consensus splice site. For these reasons, this variant has been classified as Pathogenic.

Literature cited by the submitters: PubMed 9536091; PubMed 21646031.

NM_002863.5(PYGL):c.647G>A (p.Trp216Ter)

Gene: PYGL (glycogen phosphorylase L; minus strand). Cytogenetic location: 14q22.1.
Variant type: single nucleotide variant.
Coding change: c.647G>A on transcript NM_002863.5 (MANE Select); coding-DNA position 647, G replaced by A.
Protein change: p.Trp216Ter; replaces tryptophan 216 with a stop codon.
Molecular consequence: nonsense.
Genome position (GRCh38, 1-based): chr14:50,923,982, C>T on the plus strand (G>A on the coding strand, the complement: PYGL is on the minus strand). VCF-style: chr14-50923982-C-T. GRCh37 (hg19) VCF-style: chr14-51390700-C-T.
Other names: c.545G>A, p.Trp182Ter (NM_001163940.2); short protein forms W216*, W182*.
Identifiers: ClinVar variation 1987284 (VCV001987284.1), dbSNP rs2503512754, ClinGen allele CA389692888.
Genomic context (GRCh38, chr14:50,923,982, plus strand): 5'-GTACTAAATACTATACAAAACGCTGGCTATACGAGCACTCTGAATACTTGAGTGTCAATC[C>T]ACTTGGTCCCGGTGTTGGTGTGTTCTACTTTTCCATAGAAGTGCACAGGCAGCATGAATT-3'